The following is an entry in ClinVar:

ClinVar aggregate classification (germline): Likely benign. Review status: criteria provided, multiple submitters, no conflicts (2 of 4 stars). 3 submissions from 3 submitters: Likely benign (2). 1 of the submissions does not count toward it. Last evaluated 2024-11-05.

Conditions:
LRP2-related disorder. Also called: LRP2-related condition.

Allele frequency attached by ClinVar (database versions not stated): gnomAD 0.00001; TOPMed 0.00002; ExAC 0.00003; gnomAD exomes 0.00004.
gnomAD v4.1: 20 of 1,614,026 alleles (0.0012%); highest among the groups gnomAD compares: Middle Eastern, 0.016%; no homozygotes.

Submissions (3):

Labcorp Genetics (formerly Invitae), Labcorp
Classification: Likely benign. Last evaluated: 2024-11-05. Review status: criteria provided, single submitter. Criteria: Invitae Variant Classification Sherloc (09022015). Collection method: clinical testing. Allele origin: germline.

Blueprint Genetics
Classification: Likely benign. Last evaluated: 2022-10-12. Review status: criteria provided, single submitter. Criteria: ACMG Guidelines, 2015. Collection method: clinical testing. Allele origin: germline.

PreventionGenetics, part of Exact Sciences
Classification: Likely benign for LRP2-related condition. Last evaluated: 2020-04-15. Review status: no assertion criteria provided. Collection method: clinical testing. Allele origin: germline. Not counted in ClinVar's aggregate classification.
Comment: This variant is classified as likely benign based on ACMG/AMP sequence variant interpretation guidelines (Richards et al. 2015 PMID: 25741868, with internal and published modifications).

NM_004525.3(LRP2):c.11145G>A (p.Glu3715=)

Gene: LRP2 (LDL receptor related protein 2; minus strand). Cytogenetic location: 2q31.1.
Variant type: single nucleotide variant.
Coding change: c.11145G>A on transcript NM_004525.3 (MANE Select); coding-DNA position 11145, G replaced by A.
Protein change: p.Glu3715=; no amino-acid change (glutamic acid 3715 retained).
Molecular consequence: synonymous variant.
Genome position (GRCh38, 1-based): chr2:169,172,133, C>T on the plus strand (G>A on the coding strand, the complement: LRP2 is on the minus strand). VCF-style: chr2-169172133-C-T. GRCh37 (hg19) VCF-style: chr2-170028643-C-T.
Other names: c.11145G>A (NM_004525.2).
Identifiers: ClinVar variation 1660942 (VCV001660942.11), dbSNP rs769966400, ClinGen allele CA1953158.